The following is an entry in ClinVar:

ClinVar aggregate classification (germline): Uncertain significance. Review status: criteria provided, multiple submitters, no conflicts (2 of 4 stars). 2 submissions from 2 submitters: Uncertain significance (2). Last evaluated 2025-05-13.

Conditions:
Severe combined immunodeficiency due to LCK deficiency. Also called: Immunodeficiency 22. Identifiers: Orphanet 280142, MedGen C4014233, MONDO:0014334, OMIM 615758.

Allele frequency attached by ClinVar (database versions not stated): ExAC 0.00002.

Submissions (2):

Ambry Genetics
Classification: Uncertain significance. Last evaluated: 2025-05-13. Review status: criteria provided, single submitter. Criteria: Ambry Variant Classification Scheme 2023. Collection method: clinical testing. Allele origin: germline.

Labcorp Genetics (formerly Invitae), Labcorp
Classification: Uncertain significance for Severe combined immunodeficiency due to LCK deficiency. Last evaluated: 2024-07-19. Review status: criteria provided, single submitter. Criteria: Invitae Variant Classification Sherloc (09022015). Collection method: clinical testing. Allele origin: germline.
Comment: This sequence change replaces leucine, which is neutral and non-polar, with valine, which is neutral and non-polar, at codon 48 of the LCK protein (p.Leu48Val). This variant is present in population databases (rs771590192, gnomAD 0.02%). This variant has not been reported in the literature in individuals affected with LCK-related conditions. ClinVar contains an entry for this variant (Variation ID: 2184865). An algorithm developed to predict the effect of missense changes on protein structure and function (PolyPhen-2) suggests that this variant is likely to be tolerated. In summary, the available evidence is currently insufficient to determine the role of this variant in disease. Therefore, it has been classified as a Variant of Uncertain Significance.

NM_005356.5(LCK):c.142C>G (p.Leu48Val)

Gene: LCK (LCK proto-oncogene, Src family tyrosine kinase; plus strand). Cytogenetic location: 1p35.2.
Variant type: single nucleotide variant.
Coding change: c.142C>G on transcript NM_005356.5 (MANE Select); coding-DNA position 142, C replaced by G.
Protein change: p.Leu48Val; replaces leucine 48 with valine.
Molecular consequence: missense variant.
Genome position (GRCh38, 1-based): chr1:32,274,773, C>G. VCF-style: chr1-32274773-C-G. GRCh37 (hg19) VCF-style: chr1-32740374-C-G.
Other names: c.142C>G, p.Leu48Val (NM_001042771.3, NM_001330468.2); c.142C>G (NM_005356.3); short protein forms L48V.
Identifiers: ClinVar variation 2184865 (VCV002184865.5), dbSNP rs771590192, ClinGen allele CA740995.